The following is an entry in ClinVar:

ClinVar aggregate classification (germline): Uncertain significance (1 of 4 stars; one submission).

Conditions:
DICER1-related tumor predisposition. Also called: DICER1 syndrome; DICER1-related pleuropulmonary blastoma cancer predisposition syndrome. Identifiers: Orphanet 284343, MedGen C3839822, MONDO:0100216.

Submission:

Labcorp Genetics (formerly Invitae), Labcorp
Classification: Uncertain significance for DICER1-related tumor predisposition. Last evaluated: 2020-12-29. Review status: criteria provided, single submitter. Criteria: Invitae Variant Classification Sherloc (09022015). Collection method: clinical testing. Allele origin: germline.
Comment: In summary, the available evidence is currently insufficient to determine the role of this variant in disease. Therefore, it has been classified as a Variant of Uncertain Significance. Algorithms developed to predict the effect of missense changes on protein structure and function (SIFT, PolyPhen-2, Align-GVGD) all suggest that this variant is likely to be disruptive, but these predictions have not been confirmed by published functional studies and their clinical significance is uncertain. This variant has not been reported in the literature in individuals with DICER1-related conditions. This variant is not present in population databases (ExAC no frequency). This sequence change replaces serine with threonine at codon 364 of the DICER1 protein (p.Ser364Thr). The serine residue is highly conserved and there is a small physicochemical difference between serine and threonine.

NM_177438.3(DICER1):c.1090T>A (p.Ser364Thr)

Gene: DICER1 (dicer 1, ribonuclease III; minus strand). Cytogenetic location: 14q32.13.
Variant type: single nucleotide variant.
Coding change: c.1090T>A on transcript NM_177438.3 (MANE Select); coding-DNA position 1090, T replaced by A.
Protein change: p.Ser364Thr; replaces serine 364 with threonine.
Molecular consequence: missense variant.
Genome position (GRCh38, 1-based): chr14:95,124,482, A>T on the plus strand (T>A on the coding strand, the complement: DICER1 is on the minus strand). VCF-style: chr14-95124482-A-T. GRCh37 (hg19) VCF-style: chr14-95590819-A-T.
Other names: c.1090T>A, p.Ser364Thr (NM_001195573.1, NM_001271282.3, NM_001291628.2 and 1 more transcripts); short protein forms S364T.
Identifiers: ClinVar variation 1360678 (VCV001360678.9), dbSNP rs2140205477, ClinGen allele CA390886980.